The following is an entry in ClinVar:

ClinVar aggregate classification (germline): Pathogenic (1 of 4 stars; one submission).

Conditions:
Intellectual developmental disorder, X-linked 93. Also called: MENTAL RETARDATION, X-LINKED, WITH MACROCEPHALY; Intellectual disability, X-linked 93. Identifiers: MedGen C1970841, MONDO:0010393, OMIM 300659.

Submission:

Victorian Clinical Genetics Services, Murdoch Childrens Research Institute
Classification: Pathogenic for Intellectual developmental disorder, X-linked 93. Last evaluated: 2024-10-08. Review status: criteria provided, single submitter. Criteria: ACMG Guidelines, 2015. Collection method: clinical testing. Allele origin: germline. Inheritance: X-linked recessive inheritance. Affected: yes.
Comment: Based on the classification scheme VCGS_Germline_v1.3.4, this variant is classified as Pathogenic. Following criteria are met: 0102 - Loss of function is a known mechanism of disease in this gene and is associated with intellectual developmental disorder, X-linked 93 (MIM#300659). (I) 0109 - This gene is associated with X-linked disease. Affected heterozygous females have been reported (PMIDs:17668385, 36514184, 36414205). (I) 0201 - Variant is predicted to cause nonsense-mediated decay (NMD) and loss of protein (premature termination codon is located at least 54 nucleotides upstream of the final exon-exon junction). (SP) 0251 - This variant is heterozygous. (I) 0301 - Variant is absent from gnomAD (both v2 and v3). (SP) 0701 - Other NMD-predicted variants comparable to the one identified in this case have very strong previous evidence for pathogenicity (DECIPHER). (SP) 0807 - This variant has no previous evidence of pathogenicity. (I) 0905 - No published segregation evidence has been identified for this variant. (I) 1007 - No published functional evidence has been identified for this variant. (I) Legend: (SP) - Supporting pathogenic, (I) - Information, (SB) - Supporting benign

Literature cited by the submitters: PubMed 17668385; PubMed 36414205; PubMed 36514184.

NM_153252.5(BRWD3):c.2473G>T (p.Glu825Ter)

Gene: BRWD3 (bromodomain and WD repeat domain containing 3; minus strand). Cytogenetic location: Xq21.1.
Variant type: single nucleotide variant.
Coding change: c.2473G>T on transcript NM_153252.5 (MANE Select); coding-DNA position 2473, G replaced by T.
Protein change: p.Glu825Ter; replaces glutamic acid 825 with a stop codon.
Molecular consequence: nonsense.
Genome position (GRCh38, 1-based): chrX:80,709,430, C>A on the plus strand (G>T on the coding strand, the complement: BRWD3 is on the minus strand). VCF-style: chrX-80709430-C-A. GRCh37 (hg19) VCF-style: chrX-79964929-C-A.
Other names: short protein forms E825*.
Identifiers: ClinVar variation 3377339 (VCV003377339.1).